The following is an entry in ClinVar:

NM_004006.3(DMD):c.2569C>T (p.Pro857Ser)

Gene: DMD (dystrophin; minus strand). Cytogenetic location: Xp21.1.
Variant type: single nucleotide variant.
Coding change: c.2569C>T on transcript NM_004006.3 (MANE Select); coding-DNA position 2569, C replaced by T.
Protein change: p.Pro857Ser; replaces proline 857 with serine.
Molecular consequence: missense variant.
Genome position (GRCh38, 1-based): chrX:32,491,330, G>A on the plus strand (C>T on the coding strand, the complement: DMD is on the minus strand). VCF-style: chrX-32491330-G-A. GRCh37 (hg19) VCF-style: chrX-32509447-G-A.
Other names: c.2545C>T, p.Pro849Ser (NM_000109.4); c.2557C>T, p.Pro853Ser (NM_004009.3); c.2200C>T, p.Pro734Ser (NM_004010.3); short protein forms P857S, P853S, P734S, P849S.
Identifiers: ClinVar variation 227307 (VCV000227307.26), dbSNP rs552275776, ClinGen allele CA10379494.

ClinVar aggregate classification (germline): Benign/Likely benign. Review status: criteria provided, multiple submitters, no conflicts (2 of 4 stars). 9 submissions from 9 submitters: Benign (4); Likely benign (3). 2 of the submissions do not count toward it. Last evaluated 2026-02-01.

Conditions:
Cardiovascular phenotype. Identifiers: MedGen CN230736.
Becker muscular dystrophy (BMD). Also called: Becker Muscular Dystrophy (BMD); MUSCULAR DYSTROPHY, PSEUDOHYPERTROPHIC PROGRESSIVE, BECKER TYPE. Identifiers: Orphanet 98895, MedGen C0917713, MONDO:0010311, OMIM 300376.
Cardiomyopathy (CMYO). Also called: Cardiomyopathies. Identifiers: Orphanet 167848, MedGen C0878544, MONDO:0004994, HP:0001638. Inheritance: Various modes of inheritance.
Dystrophin deficiency.
Duchenne muscular dystrophy (DMD). Also called: MUSCULAR DYSTROPHY, PSEUDOHYPERTROPHIC PROGRESSIVE, DUCHENNE TYPE; Duchenne Muscular Dystrophy (DMD). Identifiers: Orphanet 98896, MedGen C0013264, MONDO:0010679, OMIM 310200.
DMD-related disorder. Also called: DMD-related condition.

Allele frequency attached by ClinVar (database versions not stated): gnomAD below 0.00001 and 0.00021; TOPMed 0.00006; gnomAD exomes 0.00049 and 0.00107; ExAC 0.00109; 1000 Genomes Project 30x 0.00208; 1000 Genomes Project 0.00265.
gnomAD v4.1: 558 of 1,209,669 alleles (0.046%); highest among the groups gnomAD compares: South Asian, 0.94%; 4 homozygotes.

Submissions (9):

Labcorp Genetics (formerly Invitae), Labcorp
Classification: Benign for Duchenne muscular dystrophy. Last evaluated: 2026-02-01. Review status: criteria provided, single submitter. Criteria: Invitae Variant Classification Sherloc (09022015). Collection method: clinical testing. Allele origin: germline.

Athena Diagnostics
Classification: Benign. Last evaluated: 2025-10-29. Review status: criteria provided, single submitter. Criteria: Athena Diagnostics Criteria. Collection method: clinical testing. Allele origin: unknown.
Comment: The frequency of this variant in the general population is higher than would generally be expected for pathogenic variants in this gene. Computational tools predict this amino acid change may be benign. This variant has been seen where an alternate explanation for disease was also identified.

Blueprint Genetics
Classification: Likely benign. Last evaluated: 2024-09-20. Review status: criteria provided, single submitter. Criteria: ACMG Guidelines, 2015. Collection method: clinical testing. Allele origin: germline.

Ambry Genetics
Classification: Benign for Cardiovascular phenotype. Last evaluated: 2017-11-03. Review status: criteria provided, single submitter. Criteria: Ambry Variant Classification Scheme 2023. Collection method: clinical testing. Allele origin: germline.

GeneDx
Classification: Benign. Last evaluated: 2017-08-07. Review status: criteria provided, single submitter. Criteria: GeneDx Variant Classification (06012015). Collection method: clinical testing. Allele origin: germline. Affected: yes.
Comment: This variant is considered likely benign or benign based on one or more of the following criteria: it is a conservative change, it occurs at a poorly conserved position in the protein, it is predicted to be benign by multiple in silico algorithms, and/or has population frequency not consistent with disease.

Eurofins Ntd Llc (ga)
Classification: Likely benign. Last evaluated: 2017-03-23. Review status: criteria provided, single submitter. Criteria: EGL Classification Definitions 2015. Collection method: clinical testing. Allele origin: germline. Observed: 1 variant allele, 1 hemizygote.

Laboratory for Molecular Medicine, Mass General Brigham Personalized Medicine
Classification: Likely benign. Last evaluated: 2015-03-13. Review status: criteria provided, single submitter. Criteria: LMM Criteria. Collection method: clinical testing. Allele origin: germline. Observed: 1 variant allele.
Comment: p.Pro857Ser in exon 20 of DMD: This variant is not expected to have clinical sig nificance because it has been identified in 0.9% (92/10124) of South Asian chrom osomes by the Exome Aggregation Consortium (ExAC ; dbSNP rs552275776).

Natera, Inc.
Classification: Benign for Becker muscular dystrophy; Cardiomyopathy; Duchenne muscular dystrophy; Dystrophin deficiency. Last evaluated: 2020-04-03. Review status: no assertion criteria provided. Collection method: clinical testing. Allele origin: germline. Not counted in ClinVar's aggregate classification.

PreventionGenetics, part of Exact Sciences
Classification: Benign for DMD-related condition. Last evaluated: 2019-07-02. Review status: no assertion criteria provided. Collection method: clinical testing. Allele origin: germline. Not counted in ClinVar's aggregate classification.
Comment: This variant is classified as benign based on ACMG/AMP sequence variant interpretation guidelines (Richards et al. 2015 PMID: 25741868, with internal and published modifications).

Literature cited by the submitters: PubMed 39588385 (cited by Athena Diagnostics).